The following is an entry in ClinVar:

NM_153252.5(BRWD3):c.4693A>G (p.Arg1565Gly)

Gene: BRWD3 (bromodomain and WD repeat domain containing 3; minus strand). Cytogenetic location: Xq21.1.
Variant type: single nucleotide variant.
Coding change: c.4693A>G on transcript NM_153252.5 (MANE Select); coding-DNA position 4693, A replaced by G.
Protein change: p.Arg1565Gly; replaces arginine 1565 with glycine.
Molecular consequence: missense variant.
Genome position (GRCh38, 1-based): chrX:80,677,325, T>C on the plus strand (A>G on the coding strand, the complement: BRWD3 is on the minus strand). VCF-style: chrX-80677325-T-C. GRCh37 (hg19) VCF-style: chrX-79932824-T-C.
Other names: short protein forms R1565G.
Identifiers: ClinVar variation 2663567 (VCV002663567.1), dbSNP rs2520200129, ClinGen allele CA413747506.
Genomic context (GRCh38, chrX:80,677,325, plus strand): 5'-TGTTTTCATCTTCTTCTGATGCACTAAGTAGTTTTCTCTTGATTCCTGTCCGGGGCTCTC[T>C]GCCATCACCATTTGTAAGGGGTCCATCAAGGGAGTGATCTAAATTAAAATGAATGATTTT-3'
Protein context (NP_694984.5, residues 1555-1575): LDGPLTNGDG[Arg1565Gly]EPRTGIKRKL

ClinVar aggregate classification (germline): Uncertain significance (1 of 4 stars; one submission).

Allele frequency attached by ClinVar (database versions not stated): gnomAD exomes below 0.00001.
gnomAD v4.1: 1 of 1,207,138 alleles (0.000083%); highest among the groups gnomAD compares: Non-Finnish European, 0.00011%; no homozygotes.

Submission:

GeneDx
Classification: Uncertain significance. Last evaluated: 2023-05-14. Review status: criteria provided, single submitter. Criteria: GeneDx Variant Classification Process June 2021. Collection method: clinical testing. Allele origin: germline. Affected: yes.
Comment: Not observed at significant frequency in large population cohorts (gnomAD); In silico analysis supports that this missense variant does not alter protein structure/function; Has not been previously published as pathogenic or benign to our knowledge